The following is an entry in ClinVar:

NM_052874.5(STX1B):c.128T>C (p.Ile43Thr)

Gene: STX1B (syntaxin 1B; minus strand). Cytogenetic location: 16p11.2.
Variant type: single nucleotide variant.
Coding change: c.128T>C on transcript NM_052874.5 (MANE Select); coding-DNA position 128, T replaced by C.
Protein change: p.Ile43Thr; replaces isoleucine 43 with threonine.
Molecular consequence: missense variant.
Genome position (GRCh38, 1-based): chr16:31,001,171, A>G on the plus strand (T>C on the coding strand, the complement: STX1B is on the minus strand). VCF-style: chr16-31001171-A-G. GRCh37 (hg19) VCF-style: chr16-31012492-A-G.
Other names: c.128T>C (NM_052874.3); short protein forms I43T.
Identifiers: ClinVar variation 1507680 (VCV001507680.8), dbSNP rs750185897, ClinGen allele CA8018473.

ClinVar aggregate classification (germline): Conflicting classifications of pathogenicity. Review status: criteria provided, conflicting classifications (1 of 4 stars). 3 submissions from 3 submitters: Uncertain significance (2); Likely benign (1). Last evaluated 2024-10-16.

Conditions:
Inborn genetic diseases. Identifiers: MedGen C0950123, MeSH D030342.
Generalized epilepsy with febrile seizures plus, type 9 (GEFSP9). Also called: GEFS+, TYPE 9. Identifiers: Orphanet 36387, MedGen C4015395, MONDO:0014517, OMIM 616172.

Allele frequency attached by ClinVar (database versions not stated): TOPMed 0.00001; gnomAD exomes 0.00006; ExAC 0.00008.
gnomAD v4.1: 89 of 1,613,910 alleles (0.0055%); highest among the groups gnomAD compares: Non-Finnish European, 0.007%; no homozygotes.

Submissions (3):

Labcorp Genetics (formerly Invitae), Labcorp
Classification: Uncertain significance for Generalized epilepsy with febrile seizures plus, type 9. Last evaluated: 2024-10-16. Review status: criteria provided, single submitter. Criteria: Invitae Variant Classification Sherloc (09022015). Collection method: clinical testing. Allele origin: germline.
Comment: This sequence change replaces isoleucine, which is neutral and non-polar, with threonine, which is neutral and polar, at codon 43 of the STX1B protein (p.Ile43Thr). This variant is present in population databases (rs750185897, gnomAD 0.01%). This variant has not been reported in the literature in individuals affected with STX1B-related conditions. ClinVar contains an entry for this variant (Variation ID: 1507680). Invitae Evidence Modeling of protein sequence and biophysical properties (such as structural, functional, and spatial information, amino acid conservation, physicochemical variation, residue mobility, and thermodynamic stability) indicates that this missense variant is not expected to disrupt STX1B protein function with a negative predictive value of 80%. In summary, the available evidence is currently insufficient to determine the role of this variant in disease. Therefore, it has been classified as a Variant of Uncertain Significance.

GeneDx
Classification: Uncertain significance. Last evaluated: 2024-02-02. Review status: criteria provided, single submitter. Criteria: GeneDx Variant Classification Process June 2021. Collection method: clinical testing. Allele origin: germline. Affected: yes.
Comment: In silico analysis supports that this missense variant has a deleterious effect on protein structure/function; Has not been previously published as pathogenic or benign to our knowledge

Ambry Genetics
Classification: Likely benign for Inborn genetic diseases. Last evaluated: 2023-02-23. Review status: criteria provided, single submitter. Criteria: Ambry Variant Classification Scheme 2023. Collection method: clinical testing. Allele origin: germline.